The following is an entry in ClinVar:

ClinVar aggregate classification (germline): Uncertain significance (1 of 4 stars; one submission).

Conditions:
KCND2-related neurodevelopmental disorder.

Submission:

Clinical Genomics Laboratory, Washington University in St. Louis
Classification: Uncertain significance for KCND2-related neurodevelopmental disorder. Last evaluated: 2024-12-20. Review status: criteria provided, single submitter. Criteria: ACMG Guidelines, 2015. Collection method: clinical testing. Allele origin: germline.
Comment: The KCND2 c.1088A>G (p.Tyr363Cys) variant, to our knowledge, has not been reported in the medical literature and is absent from the general population (gnomAD v.2.1.1), indicating it is not a common variant. This variant is predicted to occur in a transmembrane domain, critical for potassium channel function in a region that is very constrained for missense variation (gnomAD browser, amino acids 285-423). Computational predictors indicate that the variant is damaging, evidence that correlates with impact to Kv4.2 function. Additionally, other variants in the region have been described as occurring de novo in individuals with a neurodevelopmental disorder (Lee H et al., PMID: 24501278; Zhang Y et al., PMID: 34245260). Due to limited information, the clinical significance of this variant is uncertain.

NM_012281.3(KCND2):c.1088A>G (p.Tyr363Cys)

Gene: KCND2 (potassium voltage-gated channel subfamily D member 2; plus strand). Cytogenetic location: 7q31.31.
Variant type: single nucleotide variant.
Coding change: c.1088A>G on transcript NM_012281.3 (MANE Select); coding-DNA position 1088, A replaced by G.
Protein change: p.Tyr363Cys; replaces tyrosine 363 with cysteine.
Molecular consequence: missense variant.
Genome position (GRCh38, 1-based): chr7:120,275,720, A>G. VCF-style: chr7-120275720-A-G. GRCh37 (hg19) VCF-style: chr7-119915774-A-G.
Other names: short protein forms Y363C.
Identifiers: ClinVar variation 3600375 (VCV003600375.1).